The following is an entry in ClinVar:

ClinVar aggregate classification (germline): Uncertain significance (1 of 4 stars; one submission).

Conditions:
Fetal akinesia deformation sequence 1 (FADS1). Also called: Fetal akinesia sequence; Pena-Shokeir syndrome type I. Identifiers: Orphanet 994, MedGen C1276035, MONDO:0100101, OMIM 208150, HP:0001989.
Congenital myasthenic syndrome 9. Also called: Myasthenic syndrome, congenital, 9, associated with acetylcholine receptor deficiency. Identifiers: Orphanet 590, MedGen C4225368, MONDO:0014587, OMIM 616325.

Allele frequency attached by ClinVar (database versions not stated): gnomAD exomes below 0.00001; gnomAD 0.00001.

Submission:

Labcorp Genetics (formerly Invitae), Labcorp
Classification: Uncertain significance for Congenital myasthenic syndrome 9; Fetal akinesia deformation sequence 1. Last evaluated: 2023-11-24. Review status: criteria provided, single submitter. Criteria: Invitae Variant Classification Sherloc (09022015). Collection method: clinical testing. Allele origin: germline.
Comment: This sequence change replaces glutamic acid, which is acidic and polar, with lysine, which is basic and polar, at codon 861 of the MUSK protein (p.Glu861Lys). This variant is not present in population databases (gnomAD no frequency). This variant has not been reported in the literature in individuals affected with MUSK-related conditions. ClinVar contains an entry for this variant (Variation ID: 651278). Advanced modeling of protein sequence and biophysical properties (such as structural, functional, and spatial information, amino acid conservation, physicochemical variation, residue mobility, and thermodynamic stability) performed at Invitae indicates that this missense variant is not expected to disrupt MUSK protein function with a negative predictive value of 95%. In summary, the available evidence is currently insufficient to determine the role of this variant in disease. Therefore, it has been classified as a Variant of Uncertain Significance.

NM_005592.4(MUSK):c.2581G>A (p.Glu861Lys)

Gene: MUSK (muscle associated receptor tyrosine kinase; plus strand). Cytogenetic location: 9q31.3.
Variant type: single nucleotide variant.
Coding change: c.2581G>A on transcript NM_005592.4 (MANE Select); coding-DNA position 2581, G replaced by A.
Protein change: p.Glu861Lys; replaces glutamic acid 861 with lysine.
Molecular consequence: missense variant.
Genome position (GRCh38, 1-based): chr9:110,800,959, G>A. VCF-style: chr9-110800959-G-A. GRCh37 (hg19) VCF-style: chr9-113563239-G-A.
Other names: c.2323G>A, p.Glu775Lys (NM_001166280.2); c.2293G>A, p.Glu765Lys (NM_001166281.2); c.1321G>A, p.Glu441Lys (NM_001369398.1); short protein forms E775K, E441K, E765K, E861K.
Identifiers: ClinVar variation 651278 (VCV000651278.9), dbSNP rs1588054854, ClinGen allele CA374480223.